The following is an entry in ClinVar:

NM_000419.5(ITGA2B):c.2809C>G (p.Leu937Val)

Gene: ITGA2B (integrin subunit alpha 2b; minus strand). Cytogenetic location: 17q21.31.
Variant type: single nucleotide variant.
Coding change: c.2809C>G on transcript NM_000419.5 (MANE Select); coding-DNA position 2809, C replaced by G.
Protein change: p.Leu937Val; replaces leucine 937 with valine.
Molecular consequence: missense variant.
Genome position (GRCh38, 1-based): chr17:44,375,030, G>C on the plus strand (C>G on the coding strand, the complement: ITGA2B is on the minus strand). VCF-style: chr17-44375030-G-C. GRCh37 (hg19) VCF-style: chr17-42452398-G-C.
Other names: short protein forms L937V.
Identifiers: ClinVar variation 4751432 (VCV004751432.1).

ClinVar aggregate classification (germline): Uncertain significance (1 of 4 stars; one submission).

Conditions:
Glanzmann thrombasthenia. Also called: BLEEDING DISORDER, PLATELET-TYPE, 2; THROMBASTHENIA OF GLANZMANN AND NAEGELI; PLATELET GLYCOPROTEIN IIb-IIIa DEFICIENCY; Glanzmann's thrombasthenia; Thrombasthenia. Identifiers: Orphanet 849, MedGen C0040015, MONDO:0100326.

gnomAD v4.1: 54 of 1,427,720 alleles (0.0038%); highest among the groups gnomAD compares: Non-Finnish European, 0.005%; no homozygotes.

Submission:

Labcorp Genetics (formerly Invitae), Labcorp
Classification: Uncertain significance for Glanzmann thrombasthenia. Last evaluated: 2025-12-10. Review status: criteria provided, single submitter. Criteria: Invitae Variant Classification Sherloc (09022015). Collection method: clinical testing. Allele origin: germline.
Comment: This sequence change replaces leucine, which is neutral and non-polar, with valine, which is neutral and non-polar, at codon 937 of the ITGA2B protein (p.Leu937Val). This variant is present in population databases (no rsID available, gnomAD 0.006%). This variant has not been reported in the literature in individuals affected with ITGA2B-related conditions. Invitae Evidence Modeling of protein sequence and biophysical properties (such as structural, functional, and spatial information, amino acid conservation, physicochemical variation, residue mobility, and thermodynamic stability) has been performed for this missense variant. However, the output from this modeling did not meet the statistical confidence thresholds required to predict the impact of this variant on ITGA2B protein function. In summary, the available evidence is currently insufficient to determine the role of this variant in disease. Therefore, it has been classified as a Variant of Uncertain Significance.